The following is an entry in ClinVar:

ClinVar aggregate classification (germline): Benign/Likely benign. Review status: criteria provided, multiple submitters, no conflicts (2 of 4 stars). 2 submissions from 2 submitters: Benign (1); Likely benign (1). Last evaluated 2024-03-11.

Conditions:
Hereditary cancer-predisposing syndrome. Also called: Neoplastic Syndromes, Hereditary; Tumor predisposition; Hereditary neoplastic syndrome; Hereditary Cancer Syndrome. Identifiers: Orphanet 140162, MedGen C0027672, MeSH D009386, MONDO:0015356.
Familial adenomatous polyposis 1 (FAP1). Also called: POLYPOSIS, ADENOMATOUS INTESTINAL; FAMILIAL ADENOMATOUS POLYPOSIS 1, ATTENUATED. Identifiers: MedGen C2713442, MONDO:0021056, OMIM 175100. Disease mechanism: loss of function.

Submissions (2):

Myriad Genetics, Inc.
Classification: Benign for Familial adenomatous polyposis 1. Last evaluated: 2024-03-11. Review status: criteria provided, single submitter. Criteria: Myriad Autosomal Dominant, Autosomal Recessive and X-Linked Classification Criteria (2023). Collection method: clinical testing. Allele origin: unknown.
Comment: This variant is considered benign. This variant is a silent/synonymous amino acid change and it is not expected to impact splicing.

Ambry Genetics
Classification: Likely benign for Hereditary cancer-predisposing syndrome. Last evaluated: 2023-11-22. Review status: criteria provided, single submitter. Criteria: Ambry Variant Classification Scheme 2023. Collection method: clinical testing. Allele origin: germline.

NM_000038.6(APC):c.2298T>C (p.Ala766=)

Gene: APC (APC regulator of Wnt signaling pathway; plus strand). Cytogenetic location: 5q22.2.
Variant type: single nucleotide variant.
Coding change: c.2298T>C on transcript NM_000038.6 (MANE Select); coding-DNA position 2298, T replaced by C.
Protein change: p.Ala766=; no amino-acid change (alanine 766 retained).
Molecular consequence: synonymous variant. On other transcripts: non-coding transcript variant (2).
Genome position (GRCh38, 1-based): chr5:112,837,892, T>C. VCF-style: chr5-112837892-T-C. GRCh37 (hg19) VCF-style: chr5-112173589-T-C.
Other names: c.1995T>C, p.Ala665= (NM_001354903.2, NM_001407458.1, NM_001407459.1 and 1 more transcripts); c.1920T>C, p.Ala640= (NM_001354904.2); c.1818T>C, p.Ala606= (NM_001354905.2); c.2382T>C, p.Ala794= (NM_001407446.1); c.2352T>C, p.Ala784= (NM_001407447.1, NM_001407448.1, NM_001407449.1 and 1 more transcripts); c.2298T>C, p.Ala766= (NM_001407450.1, NM_001127510.3, NM_001354895.2); c.1449T>C, p.Ala483= (NM_001354906.2, NM_001407470.1); c.2121T>C, p.Ala707= (NM_001354901.2, NM_001407453.1); and 12 more.
Identifiers: ClinVar variation 3148498 (VCV003148498.1), dbSNP rs2149865705, ClinGen allele CA445963333.
Genomic context (GRCh38, chr5:112,837,892, plus strand): 5'-CTCAAGCTTGCCATCTCTTCATGTTAGGAAACAAAAAGCCCTAGAAGCAGAATTAGATGC[T>C]CAGCACTTATCAGAAACTTTTGACAATATAGACAATTTAAGTCCCAAGGCATCTCATCGT-3'
Protein context (NP_000029.2, residues 756-776): KQKALEAELD[Ala766=]QHLSETFDNI